The following is an entry in ClinVar:

NM_152443.3(RDH12):c.175C>A (p.Leu59Ile)

Genes: RDH12 (retinol dehydrogenase 12; plus strand), GPHN (gephyrin; plus strand). Cytogenetic location: 14q24.1.
Variant type: single nucleotide variant.
Coding change: c.175C>A on transcript NM_152443.3 (MANE Select); coding-DNA position 175, C replaced by A.
Protein change: p.Leu59Ile; replaces leucine 59 with isoleucine.
Molecular consequence: missense variant.
Genome position (GRCh38, 1-based): chr14:67,724,579, C>A. VCF-style: chr14-67724579-C-A. GRCh37 (hg19) VCF-style: chr14-68191296-C-A.
Other names: short protein forms L59I.
Identifiers: ClinVar variation 2100442 (VCV002100442.4), dbSNP rs1379647216, ClinGen allele CA390148317.

ClinVar aggregate classification (germline): Uncertain significance (1 of 4 stars; one submission).

Conditions:
Leber congenital amaurosis 13 (LCA13). Identifiers: MedGen C2675186, MONDO:0012990, OMIM 612712.

gnomAD v4.1: 1 of 1,612,814 alleles (0.000062%); highest among the groups gnomAD compares: Non-Finnish European, 0.000085%; no homozygotes.

Submission:

Labcorp Genetics (formerly Invitae), Labcorp
Classification: Uncertain significance for Leber congenital amaurosis 13. Last evaluated: 2023-06-30. Review status: criteria provided, single submitter. Criteria: Invitae Variant Classification Sherloc (09022015). Collection method: clinical testing. Allele origin: germline.
Comment: In summary, the available evidence is currently insufficient to determine the role of this variant in disease. Therefore, it has been classified as a Variant of Uncertain Significance. Advanced modeling of protein sequence and biophysical properties (such as structural, functional, and spatial information, amino acid conservation, physicochemical variation, residue mobility, and thermodynamic stability) performed at Invitae indicates that this missense variant is not expected to disrupt RDH12 protein function. ClinVar contains an entry for this variant (Variation ID: 2100442). This variant has not been reported in the literature in individuals affected with RDH12-related conditions. This variant is not present in population databases (gnomAD no frequency). This sequence change replaces leucine, which is neutral and non-polar, with isoleucine, which is neutral and non-polar, at codon 59 of the RDH12 protein (p.Leu59Ile).